The following is an entry in ClinVar:

ClinVar aggregate classification (germline): Conflicting classifications of pathogenicity. Review status: criteria provided, conflicting classifications (1 of 4 stars). 4 submissions from 4 submitters: Uncertain significance (2); Likely benign (2). Last evaluated 2025-09-03.

Conditions:
Finnish type amyloidosis. Also called: AMYLOID CRANIAL NEUROPATHY WITH LATTICE CORNEAL DYSTROPHY; AMYLOIDOSIS DUE TO MUTANT GELSOLIN; Lattice corneal dystrophy associated with familial systemic amyloidosis; Meretoja's syndrome; Lattice dystrophy of the cornea with hereditary generalized amyloidosis; AMYLOIDOSIS, HEREDITARY SYSTEMIC 4, FINNISH TYPE. Identifiers: Orphanet 85448, MedGen C1622345, MONDO:0007097, OMIM 105120.
GSN-related disorder. Also called: GSN-related condition.

Submissions (4):

PreventionGenetics, part of Exact Sciences
Classification: Uncertain significance for GSN-related condition. Last evaluated: 2025-09-03. Review status: criteria provided, single submitter. Criteria: ACMG Guidelines, 2015. Collection method: clinical testing. Allele origin: germline.
Comment: The GSN c.45_65del21 variant is predicted to result in an in-frame deletion (p.Leu16_Ser22del). To our knowledge, this variant has not been reported in the literature. This variant is reported in 0.044% of alleles in individuals of South Asian descent in gnomAD. At this time, the clinical significance of this variant is uncertain due to the absence of conclusive functional and genetic evidence.

Labcorp Genetics (formerly Invitae), Labcorp
Classification: Uncertain significance. Last evaluated: 2025-03-16. Review status: criteria provided, single submitter. Criteria: Invitae Variant Classification Sherloc (09022015). Collection method: clinical testing. Allele origin: germline.
Comment: This variant, c.45_65del, results in the deletion of 7 amino acid(s) of the GSN protein (p.Ala17_Leu23del), but otherwise preserves the integrity of the reading frame. This variant is present in population databases (rs762432847, gnomAD 0.04%). This variant has not been reported in the literature in individuals affected with GSN-related conditions. ClinVar contains an entry for this variant (Variation ID: 1413614). Experimental studies and prediction algorithms are not available or were not evaluated, and the functional significance of this variant is currently unknown. In summary, the available evidence is currently insufficient to determine the role of this variant in disease. Therefore, it has been classified as a Variant of Uncertain Significance.

Fulgent Genetics
Classification: Likely benign for Finnish type amyloidosis. Last evaluated: 2024-02-24. Review status: criteria provided, single submitter. Criteria: ACMG Guidelines, 2015. Collection method: clinical testing. Allele origin: germline.

CeGaT Center for Human Genetics Tuebingen
Classification: Likely benign. Last evaluated: 2024-01-01. Review status: criteria provided, single submitter. Criteria: CeGaT Center For Human Genetics Tuebingen Variant Classification Criteria Version 2. Collection method: clinical testing. Allele origin: germline. Affected: yes. Observed: 1 variant allele.
Comment: GSN: PM4, BS1

NM_198252.3(GSN):c.-9-2057_-9-2037del

Gene: GSN (gelsolin; plus strand). Cytogenetic location: 9q33.2.
Variant type: Deletion.
Coding change: c.-9-2057_-9-2037del on transcript NM_198252.3 (MANE Select); 2057 bases into the intron before 9 bases upstream of the start codon through 2037 bases into the intron before 9 bases upstream of the start codon, 21 bases deleted (CCTGGCGCTGTGCGCGCTGTC).
Molecular consequence: intron variant. On other transcripts: inframe deletion (1).
Genome position (GRCh38, 1-based): chr9:121,299,906-121,299,926, CCTGGCGCTGTGCGCGCTGTC deleted; deleting any 21 consecutive bases within chr9:121,299,895-121,299,926 gives the same sequence; the c. name uses the placement nearest the transcript's 3' end. VCF-style (leftmost placement, unchanged base first): chr9-121299894-TTGCGCGCTGTCCCTGGCGCTG-T. GRCh37 (hg19) VCF-style: chr9-124062172-TTGCGCGCTGTCCCTGGCGCTG-T.
Other names: c.45_65del21 (NM_000177.4); c.45_65del, p.Ala17_Leu23del (NM_000177.5); c.-9-2057_-9-2037del (NM_001353054.1, NM_001353053.1, NM_001353060.2 and 5 more transcripts); c.-47-150_-47-130del (NM_001353064.2, NM_001353066.2, NM_001353072.2 and 8 more transcripts); c.-1-2065_-1-2045del (NM_001353058.2, NM_001353059.2, NM_001353056.2 and 1 more transcripts); c.-38-159_-38-139del (NM_001353073.2, NM_001353065.2, NM_001353068.2 and 2 more transcripts); c.100-2057_100-2037del (NM_001127663.2); c.-32-165_-32-145del (NM_001353070.2); and 4 more.
Identifiers: ClinVar variation 1413614 (VCV001413614.32), dbSNP rs762432847, ClinGen allele CA5220649.
Genomic context (GRCh38, chr9:121,299,894, plus strand): 5'-GACTGGGTCCCCTGCCGCTGTCGCCACCATGGCTCCGCACCGCCCCGCGCCCGCGCTGCT[TTGCGCGCTGTCCCTGGCGCTG>T]TGCGCGCTGTCGCTGCCCGTCCGCGCGGCCACTGCGTCGCGGGGGGCGTCCCAGGCGGGG-3'